The following is an entry in ClinVar:

ClinVar aggregate classification (germline): Benign/Likely benign. Review status: criteria provided, multiple submitters, no conflicts (2 of 4 stars). 5 submissions from 5 submitters: Benign (3); Likely benign (2). Last evaluated 2026-01-28.

Conditions:
T-B+ severe combined immunodeficiency due to JAK3 deficiency. Also called: SCID, autosomal recessive, T-negative/B-positive type; SCID, T CELL-NEGATIVE, B CELL-POSITIVE, NK CELL-NEGATIVE. Identifiers: Orphanet 35078, MedGen C1833275, MONDO:0010938, OMIM 600802.

Allele frequency attached by ClinVar (database versions not stated): ESP Exome Variant Server 0.00063; gnomAD 0.00098 and 0.00155; TOPMed 0.00121; 1000 Genomes Project 0.00200; gnomAD exomes 0.00200 and 0.00305; 1000 Genomes Project 30x 0.00281; ExAC 0.00795.
gnomAD v4.1: 3,048 of 1,550,872 alleles (0.2%); highest among the groups gnomAD compares: South Asian, 1.6%; 33 homozygotes.

Submissions (5):

Labcorp Genetics (formerly Invitae), Labcorp
Classification: Benign for T-B+ severe combined immunodeficiency due to JAK3 deficiency. Last evaluated: 2026-01-28. Review status: criteria provided, single submitter. Criteria: Invitae Variant Classification Sherloc (09022015). Collection method: clinical testing. Allele origin: germline.

Women's Health and Genetics/Laboratory Corporation of America, LabCorp
Classification: Benign. Last evaluated: 2024-12-06. Review status: criteria provided, single submitter. Criteria: LabCorp Variant Classification Summary - May 2015. Collection method: clinical testing. Allele origin: germline.

Fulgent Genetics
Classification: Likely benign for T-B+ severe combined immunodeficiency due to JAK3 deficiency. Last evaluated: 2021-10-13. Review status: criteria provided, single submitter. Criteria: ACMG Guidelines, 2015. Collection method: clinical testing. Allele origin: unknown.

Illumina Laboratory Services, Illumina
Classification: Benign for T-B+ severe combined immunodeficiency due to JAK3 deficiency. Last evaluated: 2018-01-13. Review status: criteria provided, single submitter. Criteria: ICSL Variant Classification Criteria 13 December 2019. Collection method: clinical testing. Allele origin: germline.
Comment: This variant was observed in the ICSL laboratory as part of a predisposition screen in an ostensibly healthy population. It had not been previously curated by ICSL or reported in the Human Gene Mutation Database (HGMD: prior to June 1st, 2018), and was therefore a candidate for classification through an automated scoring system. Utilizing variant allele frequency, disease prevalence and penetrance estimates, and inheritance mode, an automated score was calculated to assess if this variant is too frequent to cause the disease. Based on the score and internal cut-off values, a variant classified as benign is not then subjected to further curation. The score for this variant resulted in a classification of benign for this disease.

GeneDx
Classification: Likely benign. Last evaluated: 2016-03-30. Review status: criteria provided, single submitter. Criteria: GeneDx Variant Classification (06012015). Collection method: clinical testing. Allele origin: germline. Affected: yes.
Comment: This variant is considered likely benign or benign based on one or more of the following criteria: it is a conservative change, it occurs at a poorly conserved position in the protein, it is predicted to be benign by multiple in silico algorithms, and/or has population frequency not consistent with disease.

Literature cited by the submitters: PubMed 16843266 (cited by Women's Health and Genetics/Laboratory Corporation of America, LabCorp); PubMed 17252020 (cited by Women's Health and Genetics/Laboratory Corporation of America, LabCorp); PubMed 23832011 (cited by Women's Health and Genetics/Laboratory Corporation of America, LabCorp); PubMed 22425895 (cited by Women's Health and Genetics/Laboratory Corporation of America, LabCorp); PubMed 25595890 (cited by Women's Health and Genetics/Laboratory Corporation of America, LabCorp); PubMed 22237106 (cited by Women's Health and Genetics/Laboratory Corporation of America, LabCorp); PubMed 24446122 (cited by Women's Health and Genetics/Laboratory Corporation of America, LabCorp).

NM_000215.4(JAK3):c.1131C>T (p.His377=)

Gene: JAK3 (Janus kinase 3; minus strand). Cytogenetic location: 19p13.11.
Variant type: single nucleotide variant.
Coding change: c.1131C>T on transcript NM_000215.4 (MANE Select); coding-DNA position 1131, C replaced by T.
Protein change: p.His377=; no amino-acid change (histidine 377 retained).
Molecular consequence: synonymous variant.
Genome position (GRCh38, 1-based): chr19:17,841,400, G>A on the plus strand (C>T on the coding strand, the complement: JAK3 is on the minus strand). VCF-style: chr19-17841400-G-A. GRCh37 (hg19) VCF-style: chr19-17952209-G-A.
Identifiers: ClinVar variation 385188 (VCV000385188.19), dbSNP rs55802448, ClinGen allele CA9301985.
Genomic context (GRCh38, chr19:17,841,400, plus strand): 5'-AGGGGCCCTGAGTGGCCACAGAGGCCGGGAATGGGGGACAGGTCCTTACGTGATGGGGCC[G>A]TGGCACTGCTCGGCCACTTCCTCCAGCAGCCTCGGCGGTGCCACCTCCTTGCAGAAGAAG-3'
Protein context (NP_000206.2, residues 367-387): RLLEEVAEQC[His377=]GPITLDFAIN